The following is an entry in ClinVar:

NM_004793.4(LONP1):c.569C>T (p.Thr190Met)

Gene: LONP1 (lon peptidase 1, mitochondrial; minus strand). Cytogenetic location: 19p13.3.
Variant type: single nucleotide variant.
Coding change: c.569C>T on transcript NM_004793.4 (MANE Select); coding-DNA position 569, C replaced by T.
Protein change: p.Thr190Met; replaces threonine 190 with methionine.
Molecular consequence: missense variant. On other transcripts: 5 prime UTR variant (1), non-coding transcript variant (1).
Genome position (GRCh38, 1-based): chr19:5,713,203, G>A on the plus strand (C>T on the coding strand, the complement: LONP1 is on the minus strand). VCF-style: chr19-5713203-G-A. GRCh37 (hg19) VCF-style: chr19-5713214-G-A.
Other names: c.377C>T, p.Thr126Met (NM_001276479.2); c.-20C>T (NM_001276480.1); short protein forms T190M, T126M.
Identifiers: ClinVar variation 1939736 (VCV001939736.5), dbSNP rs748610478, ClinGen allele CA9115067.

ClinVar aggregate classification (germline): Uncertain significance (1 of 4 stars; one submission).

Allele frequency attached by ClinVar (database versions not stated): ExAC 0.00001; gnomAD exomes 0.00001; TOPMed 0.00002; gnomAD 0.00003.
gnomAD v4.1: 13 of 1,613,986 alleles (0.00081%); highest among the groups gnomAD compares: African/African-American, 0.0027%; no homozygotes.

Submission:

Labcorp Genetics (formerly Invitae), Labcorp
Classification: Uncertain significance. Last evaluated: 2024-02-24. Review status: criteria provided, single submitter. Criteria: Invitae Variant Classification Sherloc (09022015). Collection method: clinical testing. Allele origin: germline.
Comment: This sequence change replaces threonine, which is neutral and polar, with methionine, which is neutral and non-polar, at codon 190 of the LONP1 protein (p.Thr190Met). This variant is present in population databases (rs748610478, gnomAD 0.007%). This variant has not been reported in the literature in individuals affected with LONP1-related conditions. ClinVar contains an entry for this variant (Variation ID: 1939736). Advanced modeling of protein sequence and biophysical properties (such as structural, functional, and spatial information, amino acid conservation, physicochemical variation, residue mobility, and thermodynamic stability) performed at Invitae indicates that this missense variant is not expected to disrupt LONP1 protein function with a negative predictive value of 80%. In summary, the available evidence is currently insufficient to determine the role of this variant in disease. Therefore, it has been classified as a Variant of Uncertain Significance.